The following continues an entry in ClinVar:

NM_000152.5(GAA):c.525del (p.Glu176fs)

Gene: GAA. ClinVar aggregate classification (germline): Pathogenic. Pathogenic (1).

Submissions 12 to 21 of 29:

Centre of Medical Genetics, University Hospital Muenster
Classification: Pathogenic. Last evaluated: 2023-12-22. Review status: criteria provided, single submitter. Criteria: ACMG Guidelines, 2015. Collection method: clinical testing. Allele origin: unknown. Affected: yes. Observed: 1 variant allele, 1 heterozygote. Not counted in ClinVar's aggregate classification.
Comment: ACMG categories: PVS1,PS3,PM2_sup,PM3_strong,PP4

Illumina Laboratory Services, Illumina
Classification: Pathogenic for Glycogen storage disease, type II. Last evaluated: 2023-12-05. Review status: criteria provided, single submitter. Criteria: ICSLVariantClassificationCriteria RUGD 01 April 2020. Collection method: clinical testing. Allele origin: unknown. Not counted in ClinVar's aggregate classification.
Comment: The GAA c.525delT p.(Glu176ArgfsTer45) frameshift variant is an established pathogenic variant associated with glycogen storage disease type II. Across a selection of the available literature, it is consistently described as a severe allele and, in functional studies, is associated with significantly reduced mRNA levels, undetectable protein expression and no residual acid alpha glucosidase activity (PMID: 24158270; 25243733; 36246652). Clinically, homozygous individuals typically present with an infantile-onset phenotype whereas compound heterozygous individuals display more variable presentations (PMID: 31086307;31342611). Based on the available evidence, the c.525delT p.(Glu176ArgfsTer45) variant is classified as pathogenic for glycogen storage disease type II.

Mayo Clinic Laboratories, Mayo Clinic
Classification: Pathogenic. Last evaluated: 2023-05-01. Review status: criteria provided, single submitter. Criteria: ACMG Guidelines, 2015. Collection method: clinical testing. Allele origin: germline. Observed: 7 variant alleles. Not counted in ClinVar's aggregate classification.
Comment: PP4, PM3_very_strong, PS3, PVS1

Victorian Clinical Genetics Services, Murdoch Childrens Research Institute
Classification: Pathogenic for Glycogen storage disease, type II. Last evaluated: 2022-03-31. Review status: criteria provided, single submitter. Criteria: ACMG Guidelines, 2015. Collection method: clinical testing. Allele origin: germline. Inheritance: Autosomal recessive inheritance. Not counted in ClinVar's aggregate classification.
Comment: Based on the classification scheme VCGS_Germline_v1.3.4, this variant is classified as pathogenic. The following criteria are met: 0102 - Loss of function is a known mechanism of disease in this gene and is associated with glycogen storage disease II (MIM#232300). (I) 0106 - This gene is associated with autosomal recessive disease. (I) 0201 - Variant is predicted to cause nonsense-mediated decay (NMD) and loss of protein (premature termination codon is located at least 54 nucleotides upstream of the final exon-exon junction). (SP) 0251 - This variant is heterozygous. (I) 0304 - Variant is present in gnomAD (v2) <0.01 for a recessive condition (27 heterozygotes, 0 homozygotes). (SP) 0801 - This variant has strong previous evidence of pathogenicity in unrelated individuals. This variant has been reported in infantile and adolescent patients with glycogen storage disease II (PMID: 7881422, 12923862). This variant has also been reported as pathogenic by more than ten laboratories in ClinVar. (SP) 0701 - Other NMD predicted variants comparable to the one identified in this case have very strong previous evidence for pathogenicity (ClinVar). (SP) Legend: (SP) - Supporting pathogenic, (I) - Information, (SB) - Supporting benign

AiLife Diagnostics
Classification: Pathogenic. Last evaluated: 2021-12-03. Review status: criteria provided, single submitter. Criteria: ACMG Guidelines, 2015. Collection method: clinical testing. Allele origin: germline. Affected: yes. Observed: 3 variant alleles. Not counted in ClinVar's aggregate classification.

MGZ Medical Genetics Center
Classification: Pathogenic for Glycogen storage disease, type II. Last evaluated: 2021-11-17. Review status: criteria provided, single submitter. Criteria: ACMG Guidelines, 2015. Collection method: clinical testing. Allele origin: germline. Affected: yes. Observed: 1 variant allele. Not counted in ClinVar's aggregate classification.
Comment: ACMG criteria applied: PVS1, PS4, PM3, PM2_SUP, PP1

Fulgent Genetics
Classification: Pathogenic for Glycogen storage disease, type II. Last evaluated: 2021-09-15. Review status: criteria provided, single submitter. Criteria: ACMG Guidelines, 2015. Collection method: clinical testing. Allele origin: unknown. Not counted in ClinVar's aggregate classification.

Genetic Services Laboratory, University of Chicago
Classification: Pathogenic. Last evaluated: 2021-08-12. Review status: criteria provided, single submitter. Criteria: ACMG Guidelines, 2015. Collection method: clinical testing. Allele origin: germline. Affected: yes. Not counted in ClinVar's aggregate classification.
Comment: This sequence change is a single base pair deletion in exon 2, c.525del, that results in an amino acid frameshift and the creation of a premature stop codon 44 amino acids downstream of the change, p.Glu176Argfs*45. This sequence change is predicted to result in an abnormal, truncated GAA protein that is likely to affect its normal function. The p.Glu176Argfs*45 change has been reported in several individuals with Glycogen storage disease II and is a known pathogenic variant common in the Dutch population (PMIDs: 8558570, 14695532, 21439876, 22676651, 24158270). This sequence change has been described in the gnomAD database with a relatively low frequency of 0.019% in the European sub-population. Based on these evidence, the c.525del variant is classified as pathogenic.

ARUP Laboratories, Molecular Genetics and Genomics, ARUP Laboratories
Classification: Pathogenic for Glycogen storage disease, type II. Last evaluated: 2020-02-18. Review status: criteria provided, single submitter. Criteria: ARUP Molecular Germline Variant Investigation Process. Collection method: clinical testing. Allele origin: germline. Not counted in ClinVar's aggregate classification.
Comment: The GAA c.525delT; p.Glu176fs variant (rs386834235) is reported in the literature in the homozygous or compound heterozygous in multiple individuals affected with glycogen storage disease type II, also called Pompe disease (Hermans 1994, Kroos 1995, Remiche 2014, Wens 2012). This variant is found in the general population with an overall allele frequency of 0.01% (27/271120 alleles) in the Genome Aggregation Database. This variant causes a frameshift by deleting a single nucleotide, so it is predicted to result in a truncated protein or mRNA subject to nonsense-mediated decay. Functional studies suggest that cells expressing this variant exhibit no measurable alpha-glucosidase catalytic activity (Hermans 1994). Based on available information, this variant is considered to be pathogenic. References: Hermans MM et al. The effect of a single base pair deletion (delta T525) and a C1634T missense mutation (pro545leu) on the expression of lysosomal alpha-glucosidase in patients with glycogen storage disease type II. Hum Mol Genet. 1994 Dec;3(12):2213-8. Kroos MA et al. Glycogen storage disease type II: frequency of three common mutant alleles and their associated clinical phenotypes studied in 121 patients. J Med Genet. 1995 Oct;32(10):836-7. Remiche G et al. Extended phenotype description and new molecular findings in late onset glycogen storage disease type II: a northern Italy population study and review of the literature. J Neurol. 2014 Jan;261(1):83-97. Wens SC et al. Remarkably low fibroblast acid a-glucosidase activity in three adults with Pompe disease. Mol Genet Metab. 2012 Nov;107(3):485-9.

Broad Center for Mendelian Genomics, Broad Institute of MIT and Harvard
Classification: Pathogenic for Glycogen storage disease, type II. Last evaluated: 2020-01-23. Review status: criteria provided, single submitter. Criteria: ACMG Guidelines, 2015. Collection method: curation. Allele origin: germline. Inheritance: Autosomal recessive inheritance. Not counted in ClinVar's aggregate classification.
Comment: The p.Glu176ArgfsTer45 variant in GAA has been reported in at least 77 individuals (including 10 Italian, 6 Dutch, 5 from the UK, 2 Australian, 1 German, and 1 Brazilian individuals) with Glycogen Storage Disease II, segregated with disease in 7 affected relatives from 3 families (PMID: 17723315, 7881422, 23000108, 22980766, 12923862, 16917947, 25243733, 18429042, 14695532, 8990003, 18607768, 19588081, 26497565, 24158270, 27189384, 8558570, 27142047, 24590251, 23430912), and has also been reported pathogenic (by EGL, GeneDx, Illumina, Counsyl, Invitae, Mayo Clinic Genetic Testing Laboratories, OMIM, and GeneReviews) in ClinVar (Variation ID: 4033). This variant has been identified in 0.019% (23/122326) of European (non-Finnish) chromosomes and 0.017% (4/23634) of African chromosomes by the Genome Aggregation Database (gnomAD; dbSNP rs386834235). Although this variant has been seen in the general population, its frequency is low enough to be consistent with a recessive carrier frequency. In vitro functional studies provide some evidence that the p.Glu176ArgfsTer45 variant may impact GAA expression and activity (PMID: 7881422, 25243733). However, these types of assays may not accurately represent biological function. This variant is predicted to cause a frameshift, which alters the protein's amino acid sequence beginning at position 176 and leads to a premature termination codon 45 amino acids downstream. This alteration is then predicted to lead to a truncated or absent protein. Loss of function of the GAA gene is an established disease mechanism in autosomal recessive Glycogen Storage Disease II. This variant has been seen in homozygous and compound heterozygous patients curated by our study (PMID: 18429042, 14695532, 26497565, 23430912, 17723315, 7881422, 22980766, 16917947, 25243733, 8990003, 18607768, 19588081, 24158270, 27189384, 8558570, 24590251). The phenotype of at least 20 individuals with the variant in the compound heterozygous or homozygous state is highly specific for Glycogen Storage Disease II based on abnormally low GAA activity detected in cultured fibroblasts or muscle cells (PMID: 24158270, 8558570). In summary, this variant meets criteria to be classified as pathogenic for Glycogen Storage Disease II in an autosomal recessive manner based on the predicted impact of the variant and multiple occurrences with pathogenic GAA variants in individuals with Glycogen Storage Disease II. ACMG/AMP Criteria applied: PVS1, PM3, PM2, PP4 (Richards 2015).